The following is an entry in ClinVar:

NM_004525.3(LRP2):c.11259C>G (p.Asn3753Lys)

Gene: LRP2 (LDL receptor related protein 2; minus strand). Cytogenetic location: 2q31.1.
Variant type: single nucleotide variant.
Coding change: c.11259C>G on transcript NM_004525.3 (MANE Select); coding-DNA position 11259, C replaced by G.
Protein change: p.Asn3753Lys; replaces asparagine 3753 with lysine.
Molecular consequence: missense variant.
Genome position (GRCh38, 1-based): chr2:169,172,019, G>C on the plus strand (C>G on the coding strand, the complement: LRP2 is on the minus strand). VCF-style: chr2-169172019-G-C. GRCh37 (hg19) VCF-style: chr2-170028529-G-C.
Other names: short protein forms N3753K.
Identifiers: ClinVar variation 450059 (VCV000450059.3), dbSNP rs199528723, ClinGen allele CA349142605.

ClinVar aggregate classification (germline): Uncertain significance. Review status: criteria provided, multiple submitters, no conflicts (2 of 4 stars). 2 submissions from 2 submitters: Uncertain significance (2). Last evaluated 2019-05-25.

Allele frequency attached by ClinVar (database versions not stated): TOPMed 0.00001.
gnomAD v4.1: 1 of 1,613,994 alleles (0.000062%); highest among the groups gnomAD compares: African/African-American, 0.0013%; no homozygotes.

Submissions (2):

Blueprint Genetics
Classification: Uncertain significance. Last evaluated: 2019-05-25. Review status: criteria provided, single submitter. Criteria: ACMG Guidelines, 2015. Collection method: clinical testing. Allele origin: germline.

GeneDx
Classification: Uncertain significance. Last evaluated: 2017-06-29. Review status: criteria provided, single submitter. Criteria: GeneDx Variant Classification (06012015). Collection method: clinical testing. Allele origin: germline. Affected: yes.
Comment: The N3753K variant in the LRP2 gene has not been reported previously as a pathogenic variant, nor as a benign variant, to our knowledge. The N3753K variant is not observed in large population cohorts (Lek et al., 2016; 1000 Genomes Consortium et al., 2015; Exome Variant Server). The N3753K variant is a semi-conservative amino acid substitution, which may impact secondary protein structure as these residues differ in some properties. This substitution occurs at a position that is not conserved, and in silico analysis is inconsistent in its predictions as to whether or not the variant is damaging to the protein structure/function. We interpret N3753K as a variant of uncertain significance.